The following is an entry in ClinVar:

NM_152564.5(VPS13B):c.9409C>T (p.Pro3137Ser)

Gene: VPS13B (vacuolar protein sorting 13 homolog B; plus strand). Cytogenetic location: 8q22.2.
Variant type: single nucleotide variant.
Coding change: c.9409C>T on transcript NM_152564.5 (MANE Select); coding-DNA position 9409, C replaced by T.
Protein change: p.Pro3137Ser; replaces proline 3137 with serine.
Molecular consequence: missense variant.
Genome position (GRCh38, 1-based): chr8:99,832,447, C>T. VCF-style: chr8-99832447-C-T. GRCh37 (hg19) VCF-style: chr8-100844675-C-T.
Other names: c.9484C>T, p.Pro3162Ser (NM_017890.5); short protein forms P3162S, P3137S.
Identifiers: ClinVar variation 2151230 (VCV002151230.2), dbSNP rs553756124, ClinGen allele CA4824709.

ClinVar aggregate classification (germline): Uncertain significance. Review status: criteria provided, multiple submitters, no conflicts (2 of 4 stars). 2 submissions from 2 submitters: Uncertain significance (2). Last evaluated 2025-02-10.

Conditions:
VPS13B-related disorder. Also called: VPS13B-related condition.
Cohen syndrome (COH1). Also called: PEPPER SYNDROME; Cutis verticis gyrata, retinitis pigmentosa, and sensorineural deafness. Identifiers: Orphanet 193, MedGen C0265223, MONDO:0008999, OMIM 216550.

Allele frequency attached by ClinVar (database versions not stated): gnomAD 0.00003; ExAC 0.00006; 1000 Genomes Project 30x 0.00031; 1000 Genomes Project 0.00040.
gnomAD v4.1: 39 of 1,606,966 alleles (0.0024%); highest among the groups gnomAD compares: African/African-American, 0.0041%; no homozygotes.

Submissions (2):

PreventionGenetics, part of Exact Sciences
Classification: Uncertain significance for VPS13B-related condition. Last evaluated: 2025-02-10. Review status: criteria provided, single submitter. Criteria: ACMG Guidelines, 2015. Collection method: clinical testing. Allele origin: germline.
Comment: The VPS13B c.9409C>T variant is predicted to result in the amino acid substitution p.Pro3137Ser. To our knowledge, this variant has not been reported in the literature. This variant is reported in 0.0063% of alleles in individuals of European (Non-Finnish) descent in gnomAD. At this time, the clinical significance of this variant is uncertain due to the absence of conclusive functional and genetic evidence.

Labcorp Genetics (formerly Invitae), Labcorp
Classification: Uncertain significance for Cohen syndrome. Last evaluated: 2022-03-19. Review status: criteria provided, single submitter. Criteria: Invitae Variant Classification Sherloc (09022015). Collection method: clinical testing. Allele origin: germline.
Comment: This sequence change replaces proline, which is neutral and non-polar, with serine, which is neutral and polar, at codon 3162 of the VPS13B protein (p.Pro3162Ser). This variant is present in population databases (rs553756124, gnomAD 0.006%). This variant has not been reported in the literature in individuals affected with VPS13B-related conditions. Algorithms developed to predict the effect of missense changes on protein structure and function are either unavailable or do not agree on the potential impact of this missense change (SIFT: "Not Available"; PolyPhen-2: "Possibly Damaging"; Align-GVGD: "Not Available"). In summary, the available evidence is currently insufficient to determine the role of this variant in disease. Therefore, it has been classified as a Variant of Uncertain Significance.